The following is an entry in ClinVar:

NM_001371596.2(MFSD8):c.1521T>G (p.Ile507Met)

Gene: MFSD8 (major facilitator superfamily domain containing 8; minus strand). Cytogenetic location: 4q28.2.
Variant type: single nucleotide variant.
Coding change: c.1521T>G on transcript NM_001371596.2 (MANE Select); coding-DNA position 1521, T replaced by G.
Protein change: p.Ile507Met; replaces isoleucine 507 with methionine.
Molecular consequence: missense variant.
Genome position (GRCh38, 1-based): chr4:127,920,666, A>C on the plus strand (T>G on the coding strand, the complement: MFSD8 is on the minus strand). VCF-style: chr4-127920666-A-C. GRCh37 (hg19) VCF-style: chr4-128841821-A-C.
Other names: c.1320T>G, p.Ile440Met (NM_001363520.3); c.1206T>G, p.Ile402Met (NM_001363521.3); c.1386T>G, p.Ile462Met (NM_001371590.2); c.1530T>G, p.Ile510Met (NM_001371591.2); c.1527T>G, p.Ile509Met (NM_001371592.2); c.1407T>G, p.Ile469Met (NM_001371593.2); c.1374T>G, p.Ile458Met (NM_001371594.2); c.1239T>G, p.Ile413Met (NM_001371595.1); and 3 more; short protein forms I507M, I402M, I440M, I413M, I458M, I462M, I469M, I509M.
Identifiers: ClinVar variation 665502 (VCV000665502.5), dbSNP rs779560159, ClinGen allele CA3077213.

ClinVar aggregate classification (germline): Uncertain significance (1 of 4 stars; one submission).

Conditions:
Neuronal ceroid lipofuscinosis 7 (CLN7). Also called: MFSD8-Related Neuronal Ceroid-Lipofuscinosis. Identifiers: Orphanet 168491, Orphanet 228366, MedGen C1838571, MONDO:0012588, OMIM 610951.

Allele frequency attached by ClinVar (database versions not stated): gnomAD exomes below 0.00001; ExAC 0.00001.
gnomAD v4.1: 1 of 1,614,066 alleles (0.000062%); highest among the groups gnomAD compares: Admixed American, 0.0017%; no homozygotes.

Submission:

Labcorp Genetics (formerly Invitae), Labcorp
Classification: Uncertain significance for Neuronal ceroid lipofuscinosis 7. Last evaluated: 2021-09-01. Review status: criteria provided, single submitter. Criteria: Invitae Variant Classification Sherloc (09022015). Collection method: clinical testing. Allele origin: germline.
Comment: This sequence change replaces isoleucine with methionine at codon 507 of the MFSD8 protein (p.Ile507Met). The isoleucine residue is moderately conserved and there is a small physicochemical difference between isoleucine and methionine. This variant is present in population databases (rs779560159, ExAC 0.009%). This variant has not been reported in the literature in individuals affected with MFSD8-related conditions. Algorithms developed to predict the effect of missense changes on protein structure and function are either unavailable or do not agree on the potential impact of this missense change (SIFT: "Deleterious"; PolyPhen-2: "Possibly Damaging"; Align-GVGD: "Class C0"). In summary, the available evidence is currently insufficient to determine the role of this variant in disease. Therefore, it has been classified as a Variant of Uncertain Significance.